The following is an entry in ClinVar:

ClinVar aggregate classification (germline): Uncertain significance (1 of 4 stars; one submission).

Conditions:
Cardiomyopathy, familial hypertrophic, 28. Identifiers: MedGen C5543616, MONDO:0030317, OMIM 619402.

Submission:

Victorian Clinical Genetics Services, Murdoch Childrens Research Institute
Classification: Uncertain significance for Cardiomyopathy, familial hypertrophic, 28. Last evaluated: 2023-07-17. Review status: criteria provided, single submitter. Criteria: ACMG Guidelines, 2015. Collection method: clinical testing. Allele origin: germline. Inheritance: Autosomal dominant inheritance. Affected: yes.
Comment: Based on the classification scheme VCGS_Germline_v1.3.4, this variant is classified as VUS-3B. Following criteria are met: 0105 - The mechanism of disease for this gene is not clearly established. However dominant negative is a suggested mechanism (PMID:24088304) (I) 0107 - This gene is associated with autosomal dominant disease. (I) 0112 - The condition associated with this gene has incomplete penetrance (PMID:30442288). (I) 0200 - Variant is predicted to result in a missense amino acid change from cysteine to glycine. (I) 0251 - This variant is heterozygous. (I) 0301 - Variant is absent from gnomAD (both v2 and v3). (SP) 0501 - Missense variant consistently predicted to be damaging by multiple in silico tools or highly conserved with a major amino acid change. (SP) 0600 - Variant is located in the annotated FH2 domain (DECIPHER). (I) 0705 - No comparable missense variants have previous evidence for pathogenicity. (I) 0807 - This variant has no previous evidence of pathogenicity. (I) 0905 - No published segregation evidence has been identified for this variant. (I) 1007 - No published functional evidence has been identified for this variant. (I) 1208 - Inheritance information for this variant is not currently available in this individual. (I) Legend: (SP) - Supporting pathogenic, (I) - Information, (SB) - Supporting benign

Literature cited by the submitters: PubMed 24088304; PubMed 30442288.

NM_001281740.3(FHOD3):c.4090T>G (p.Cys1364Gly)

Gene: FHOD3 (formin homology 2 domain containing 3; plus strand). Cytogenetic location: 18q12.2.
Variant type: single nucleotide variant.
Coding change: c.4090T>G on transcript NM_001281740.3 (MANE Select); coding-DNA position 4090, T replaced by G.
Protein change: p.Cys1364Gly; replaces cysteine 1364 with glycine.
Molecular consequence: missense variant.
Genome position (GRCh38, 1-based): chr18:36,746,993, T>G. VCF-style: chr18-36746993-T-G. GRCh37 (hg19) VCF-style: chr18-34326956-T-G.
Other names: c.3514T>G, p.Cys1172Gly (NM_001281739.3); c.3565T>G, p.Cys1189Gly (NM_025135.5); short protein forms C1172G, C1189G, C1364G.
Identifiers: ClinVar variation 3254772 (VCV003254772.1), dbSNP rs2521393254.